The following is an entry in ClinVar:

ClinVar aggregate classification (germline): Uncertain significance. Review status: criteria provided, multiple submitters, no conflicts (2 of 4 stars). 2 submissions from 2 submitters: Uncertain significance (2). Last evaluated 2025-09-11.

Conditions:
ADCY3-related disorder. Also called: ADCY3-related condition.
Inborn genetic diseases. Identifiers: MedGen C0950123, MeSH D030342.

Allele frequency attached by ClinVar (database versions not stated): gnomAD 0.00003; gnomAD exomes 0.00004; ESP Exome Variant Server 0.00008; ExAC 0.00001; TOPMed 0.00002.
gnomAD v4.1: 65 of 1,613,682 alleles (0.004%); highest among the groups gnomAD compares: Non-Finnish European, 0.0049%; no homozygotes.

Submissions (2):

Ambry Genetics
Classification: Uncertain significance for Inborn genetic diseases. Last evaluated: 2025-09-11. Review status: criteria provided, single submitter. Criteria: Ambry Variant Classification Scheme 2023. Collection method: clinical testing. Allele origin: germline.

PreventionGenetics, part of Exact Sciences
Classification: Uncertain significance for ADCY3-related condition. Last evaluated: 2023-09-04. Review status: criteria provided, single submitter. Criteria: ACMG Guidelines, 2015. Collection method: clinical testing. Allele origin: germline.
Comment: The ADCY3 c.583G>A variant is predicted to result in the amino acid substitution p.Val195Met. To our knowledge, this variant has not been reported in the literature. This variant is reported in 0.0026% of alleles in individuals of European (Non-Finnish) descent in gnomAD. At this time, the clinical significance of this variant is uncertain due to the absence of conclusive functional and genetic evidence.

NM_004036.5(ADCY3):c.583G>A (p.Val195Met)

Gene: ADCY3 (adenylate cyclase 3; minus strand). Cytogenetic location: 2p23.3.
Variant type: single nucleotide variant.
Coding change: c.583G>A on transcript NM_004036.5 (MANE Select); coding-DNA position 583, G replaced by A.
Protein change: p.Val195Met; replaces valine 195 with methionine.
Molecular consequence: missense variant.
Genome position (GRCh38, 1-based): chr2:24,918,405, C>T on the plus strand (G>A on the coding strand, the complement: ADCY3 is on the minus strand). VCF-style: chr2-24918405-C-T. GRCh37 (hg19) VCF-style: chr2-25141274-C-T.
Other names: c.583G>A, p.Val195Met (NM_001320613.2, NM_001377128.1, NM_001377129.1 and 2 more transcripts); c.583G>A (NM_004036.3); short protein forms V195M.
Identifiers: ClinVar variation 2630491 (VCV002630491.2), dbSNP rs372828852, ClinGen allele CA1554477.